The following is an entry in ClinVar:

ClinVar aggregate classification (germline): Uncertain significance. Review status: criteria provided, multiple submitters, no conflicts (2 of 4 stars). 2 submissions from 2 submitters: Uncertain significance (2). Last evaluated 2024-02-14.

Allele frequency attached by ClinVar (database versions not stated): TOPMed 0.00001.

Submissions (2):

GeneDx
Classification: Uncertain significance. Last evaluated: 2024-02-14. Review status: criteria provided, single submitter. Criteria: GeneDx Variant Classification Process June 2021. Collection method: clinical testing. Allele origin: germline. Affected: yes.
Comment: Not observed at significant frequency in large population cohorts (gnomAD); In silico analysis supports that this missense variant has a deleterious effect on protein structure/function; Has not been previously published as pathogenic or benign to our knowledge

Labcorp Genetics (formerly Invitae), Labcorp
Classification: Uncertain significance. Last evaluated: 2023-04-09. Review status: criteria provided, single submitter. Criteria: Invitae Variant Classification Sherloc (09022015). Collection method: clinical testing. Allele origin: germline.
Comment: This sequence change replaces serine, which is neutral and polar, with glycine, which is neutral and non-polar, at codon 1463 of the NALCN protein (p.Ser1463Gly). This variant is not present in population databases (gnomAD no frequency). This variant has not been reported in the literature in individuals affected with NALCN-related conditions. Advanced modeling of protein sequence and biophysical properties (such as structural, functional, and spatial information, amino acid conservation, physicochemical variation, residue mobility, and thermodynamic stability) has been performed at Invitae for this missense variant, however the output from this modeling did not meet the statistical confidence thresholds required to predict the impact of this variant on NALCN protein function. In summary, the available evidence is currently insufficient to determine the role of this variant in disease. Therefore, it has been classified as a Variant of Uncertain Significance.

NM_052867.4(NALCN):c.4387A>G (p.Ser1463Gly)

Gene: NALCN (sodium leak channel, non-selective; minus strand). Cytogenetic location: 13q32.3.
Variant type: single nucleotide variant.
Coding change: c.4387A>G on transcript NM_052867.4 (MANE Select); coding-DNA position 4387, A replaced by G.
Protein change: p.Ser1463Gly; replaces serine 1463 with glycine.
Molecular consequence: missense variant.
Genome position (GRCh38, 1-based): chr13:101,067,977, T>C on the plus strand (A>G on the coding strand, the complement: NALCN is on the minus strand). VCF-style: chr13-101067977-T-C. GRCh37 (hg19) VCF-style: chr13-101720329-T-C.
Other names: c.4474A>G, p.Ser1492Gly (NM_001350748.2); c.4387A>G, p.Ser1463Gly (NM_001350749.2); c.4300A>G, p.Ser1434Gly (NM_001350750.2, NM_001350751.2); c.4387A>G (NM_052867.2); short protein forms S1463G, S1492G, S1434G.
Identifiers: ClinVar variation 2790802 (VCV002790802.4), dbSNP rs1219517502, ClinGen allele CA388646529.